The following is an entry in ClinVar:

NM_000152.5(GAA):c.1327-514G>A

Gene: GAA (alpha glucosidase; plus strand). Cytogenetic location: 17q25.3.
Variant type: single nucleotide variant.
Coding change: c.1327-514G>A on transcript NM_000152.5 (MANE Select); 514 bases into the intron before coding-DNA position 1327, G replaced by A.
Molecular consequence: intron variant.
Genome position (GRCh38, 1-based): chr17:80,109,431, G>A. VCF-style: chr17-80109431-G-A. GRCh37 (hg19) VCF-style: chr17-78083230-G-A.
Other names: c.1327-514G>A (NM_001406741.1, NM_001406742.1, NM_001079803.3 and 1 more transcripts).
Identifiers: ClinVar variation 4876619 (VCV004876619.1).

ClinVar aggregate classification (germline): Benign (1 of 4 stars; one submission).

Conditions:
Glycogen storage disease, type II (IOPD). Also called: Pompe Disease; CARDIOMEGALIA GLYCOGENICA DIFFUSA; GLYCOGENOSIS, GENERALIZED, CARDIAC FORM; GSD II; POMPE DISEASE, INFANTILE-ONSET; GLYCOGEN STORAGE DISEASE II, INFANTILE-ONSET. Identifiers: Orphanet 365, MedGen C0017921, MONDO:0009290, OMIM 232300.

gnomAD v4.1: 6,600 of 152,314 alleles (4.3%); highest among the groups gnomAD compares: East Asian, 24%; 301 homozygotes.

Submission:

Genomenon, Inc
Classification: Benign for Glycogen storage disease, type II. Last evaluated: 2026-07-01. Review status: criteria provided, single submitter. Criteria: Genomenon Sequence Variant Interpretation Standards - Updated. Collection method: curation. Allele origin: germline. Affected: no.
Comment: GAA c.1327-514G>A is an intronic variant located in intron 8. This variant is present at high allele frequency in population databases. We classify GAA c.1327-514G>A as a benign variant.